The following is an entry in ClinVar:

ClinVar aggregate classification (germline): Likely benign. Review status: criteria provided, multiple submitters, no conflicts (2 of 4 stars). 3 submissions from 3 submitters: Likely benign (3). Last evaluated 2025-12-03.

Conditions:
Peutz-Jeghers syndrome (PJS). Also called: Peutz-Jeghers polyposis; Periorificial lentiginosis syndrome; POLYPOSIS, HAMARTOMATOUS INTESTINAL; POLYPS-AND-SPOTS SYNDROME. Identifiers: Orphanet 2869, MedGen C0031269, MeSH D010580, MONDO:0008280, OMIM 175200.

Allele frequency attached by ClinVar (database versions not stated): gnomAD exomes below 0.00001.
gnomAD v4.1: 2 of 1,607,744 alleles (0.00012%); highest among the groups gnomAD compares: Non-Finnish European, 0.00017%; no homozygotes.

Submissions (3):

Labcorp Genetics (formerly Invitae), Labcorp
Classification: Likely benign for Peutz-Jeghers syndrome. Last evaluated: 2025-12-03. Review status: criteria provided, single submitter. Criteria: Invitae Variant Classification Sherloc (09022015). Collection method: clinical testing. Allele origin: germline.

Myriad Genetics, Inc.
Classification: Likely benign for Peutz-Jeghers syndrome. Last evaluated: 2025-03-28. Review status: criteria provided, single submitter. Criteria: Myriad Autosomal Dominant, Autosomal Recessive and X-Linked Classification Criteria (2023). Collection method: clinical testing. Allele origin: unknown.
Comment: This variant is considered likely benign. This variant is intronic and is not expected to impact mRNA splicing.

GeneDx
Classification: Likely benign. Last evaluated: 2017-06-12. Review status: criteria provided, single submitter. Criteria: GeneDx Variant Classification (06012015). Collection method: clinical testing. Allele origin: germline. Affected: yes.
Comment: This variant is considered likely benign or benign based on one or more of the following criteria: it is a conservative change, it occurs at a poorly conserved position in the protein, it is predicted to be benign by multiple in silico algorithms, and/or has population frequency not consistent with disease.

NM_000455.5(STK11):c.1109-17T>C

Gene: STK11 (serine/threonine kinase 11; plus strand). Cytogenetic location: 19p13.3.
Variant type: single nucleotide variant.
Coding change: c.1109-17T>C on transcript NM_000455.5 (MANE Select); 17 bases into the intron before coding-DNA position 1109, T replaced by C.
Molecular consequence: intron variant.
Genome position (GRCh38, 1-based): chr19:1,226,437, T>C. VCF-style: chr19-1226437-T-C. GRCh37 (hg19) VCF-style: chr19-1226436-T-C.
Identifiers: ClinVar variation 517944 (VCV000517944.9), dbSNP rs1555740052, ClinGen allele CA658799097.